The following is an entry in ClinVar:

NM_001244926.2(PRPF4):c.1183A>G (p.Thr395Ala)

Gene: PRPF4 (pre-mRNA splicing tri-snRNP complex factor PRPF4; plus strand). Cytogenetic location: 9q32.
Variant type: single nucleotide variant.
Coding change: c.1183A>G on transcript NM_001244926.2 (MANE Select); coding-DNA position 1183, A replaced by G.
Protein change: p.Thr395Ala; replaces threonine 395 with alanine.
Molecular consequence: missense variant. On other transcripts: non-coding transcript variant (2).
Genome position (GRCh38, 1-based): chr9:113,290,737, A>G. VCF-style: chr9-113290737-A-G. GRCh37 (hg19) VCF-style: chr9-116053017-A-G.
Other names: c.457A>G, p.Thr153Ala (NM_001322266.2, NM_001322267.2); c.1186A>G, p.Thr396Ala (NM_004697.5); short protein forms T395A, T396A, T153A.
Identifiers: ClinVar variation 961599 (VCV000961599.9), dbSNP rs1832585152, ClinGen allele CA374555352.

ClinVar aggregate classification (germline): Uncertain significance (1 of 4 stars; one submission).

Submission:

Labcorp Genetics (formerly Invitae), Labcorp
Classification: Uncertain significance. Last evaluated: 2022-02-09. Review status: criteria provided, single submitter. Criteria: Invitae Variant Classification Sherloc (09022015). Collection method: clinical testing. Allele origin: germline.
Comment: ClinVar contains an entry for this variant (Variation ID: 961599). In summary, the available evidence is currently insufficient to determine the role of this variant in disease. Therefore, it has been classified as a Variant of Uncertain Significance. Algorithms developed to predict the effect of missense changes on protein structure and function are either unavailable or do not agree on the potential impact of this missense change (SIFT: "Deleterious"; PolyPhen-2: "Possibly Damaging"; Align-GVGD: "Class C0"). This variant has not been reported in the literature in individuals affected with PRPF4-related conditions. This variant is not present in population databases (gnomAD no frequency). This sequence change replaces threonine, which is neutral and polar, with alanine, which is neutral and non-polar, at codon 396 of the PRPF4 protein (p.Thr396Ala).